The following is an entry in ClinVar:

NM_002662.5(PLD1):c.2543+1G>T

Gene: PLD1 (phospholipase D1; minus strand). Cytogenetic location: 3q26.31.
Variant type: single nucleotide variant.
Coding change: c.2543+1G>T on transcript NM_002662.5 (MANE Select); the canonical splice donor site of the intron after coding-DNA position 2543, G replaced by T.
Molecular consequence: splice donor variant.
Genome position (GRCh38, 1-based): chr3:171,644,909, C>A on the plus strand (G>T on the coding strand, the complement: PLD1 is on the minus strand). VCF-style: chr3-171644909-C-A. GRCh37 (hg19) VCF-style: chr3-171362699-C-A.
Other names: c.2429+1G>T (NM_001130081.3).
Identifiers: ClinVar variation 1033939 (VCV001033939.9), dbSNP rs779667018, ClinGen allele CA2704208.
Genomic context (GRCh38, chr3:171,644,909, plus strand): 5'-TTCATCAGCTTACATGATGCATGACCGAAAGCTCAAAATAGACCATTTAGAGTTTTGGCA[C>A]CTGTAGTTGAAGTGCATGATTGCCTGTAGAGCATTTCCTCCGCCGGTTGAAATGTCTCCT-3'

ClinVar aggregate classification (germline): Conflicting classifications of pathogenicity. Review status: criteria provided, conflicting classifications (1 of 4 stars). 4 submissions from 4 submitters: Likely pathogenic (3); Uncertain significance (1). Last evaluated 2026-08-29.

Conditions:
Cardiac valvular defect, developmental (CVDP1). Also called: CARDIAC VALVULAR DYSPLASIA 1. Identifiers: MedGen C5774175, MONDO:0008913, OMIM 212093.

Allele frequency attached by ClinVar (database versions not stated): ExAC 0.00002; gnomAD exomes 0.00001 and 0.00006; TOPMed 0.00003; gnomAD 0.00002.
gnomAD v4.1: 21 of 1,585,188 alleles (0.0013%); highest among the groups gnomAD compares: Admixed American, 0.035%; no homozygotes.

Submissions (4):

GeneDx
Classification: Uncertain significance. Last evaluated: 2026-08-29. Review status: criteria provided, single submitter. Criteria: GeneDx Variant Classification Process June 2021. Collection method: clinical testing. Allele origin: germline.
Comment: Canonical splice site variant predicted to result in an in-frame loss of the adjacent exon in a gene for which loss of function is a known mechanism of disease; Has not been previously published as pathogenic or benign to our knowledge

Labcorp Genetics (formerly Invitae), Labcorp
Classification: Likely pathogenic. Last evaluated: 2024-06-11. Review status: criteria provided, single submitter. Criteria: Invitae Variant Classification Sherloc (09022015). Collection method: clinical testing. Allele origin: germline.
Comment: This sequence change affects a donor splice site in intron 22 of the PLD1 gene. It is expected to disrupt RNA splicing. Variants that disrupt the donor or acceptor splice site typically lead to a loss of protein function (PMID: 16199547), and loss-of-function variants in PLD1 are known to be pathogenic (PMID: 27799408, 33645542). This variant is present in population databases (rs779667018, gnomAD 0.04%). This variant has not been reported in the literature in individuals affected with PLD1-related conditions. ClinVar contains an entry for this variant (Variation ID: 1033939). Algorithms developed to predict the effect of sequence changes on RNA splicing suggest that this variant may disrupt the consensus splice site. In summary, the currently available evidence indicates that the variant is pathogenic, but additional data are needed to prove that conclusively. Therefore, this variant has been classified as Likely Pathogenic.

Fulgent Genetics
Classification: Likely pathogenic for Cardiac valvular defect, developmental. Last evaluated: 2022-03-21. Review status: criteria provided, single submitter. Criteria: ACMG Guidelines, 2015. Collection method: clinical testing. Allele origin: unknown.

Baylor Genetics
Classification: Likely pathogenic for Cardiac valvular defect, developmental. Last evaluated: 2018-11-19. Review status: criteria provided, single submitter. Criteria: ACMG Guidelines, 2015. Collection method: clinical testing. Allele origin: unknown. Affected: yes.
Comment: This variant was determined to be likely pathogenic according to ACMG Guidelines, 2015 [PMID:25741868].

Literature cited by the submitters: PubMed 16199547 (cited by Labcorp Genetics (formerly Invitae), Labcorp); PubMed 27799408 (cited by Labcorp Genetics (formerly Invitae), Labcorp); PubMed 33645542 (cited by Labcorp Genetics (formerly Invitae), Labcorp).